The following is an entry in ClinVar:

ClinVar aggregate classification (germline): Uncertain significance (1 of 4 stars; one submission).

Conditions:
Charcot-Marie-Tooth disease axonal type 2O. Also called: Charcot-Marie-Tooth Neuropathy Type 2O; CHARCOT-MARIE-TOOTH NEUROPATHY, AXONAL, TYPE 2O; CHARCOT-MARIE-TOOTH DISEASE, AXONAL, AUTOSOMAL DOMINANT, TYPE 2O; Charcot-Marie-Tooth disease, axonal, type 20. Identifiers: Orphanet 284232, MedGen C3280220, MONDO:0013644, OMIM 614228.

Submission:

Labcorp Genetics (formerly Invitae), Labcorp
Classification: Uncertain significance for Charcot-Marie-Tooth disease axonal type 2O. Last evaluated: 2022-07-26. Review status: criteria provided, single submitter. Criteria: Invitae Variant Classification Sherloc (09022015). Collection method: clinical testing. Allele origin: germline.
Comment: In summary, the available evidence is currently insufficient to determine the role of this variant in disease. Therefore, it has been classified as a Variant of Uncertain Significance. Advanced modeling of protein sequence and biophysical properties (such as structural, functional, and spatial information, amino acid conservation, physicochemical variation, residue mobility, and thermodynamic stability) performed at Invitae indicates that this missense variant is not expected to disrupt DYNC1H1 protein function. ClinVar contains an entry for this variant (Variation ID: 1516260). This variant has not been reported in the literature in individuals affected with DYNC1H1-related conditions. This variant is not present in population databases (gnomAD no frequency). This sequence change replaces glutamine, which is neutral and polar, with glutamic acid, which is acidic and polar, at codon 4108 of the DYNC1H1 protein (p.Gln4108Glu).

NM_001376.5(DYNC1H1):c.12322C>G (p.Gln4108Glu)

Gene: DYNC1H1 (dynein cytoplasmic 1 heavy chain 1; plus strand). Cytogenetic location: 14q32.31.
Variant type: single nucleotide variant.
Coding change: c.12322C>G on transcript NM_001376.5 (MANE Select); coding-DNA position 12322, C replaced by G.
Protein change: p.Gln4108Glu; replaces glutamine 4108 with glutamic acid.
Molecular consequence: missense variant.
Genome position (GRCh38, 1-based): chr14:102,042,430, C>G. VCF-style: chr14-102042430-C-G. GRCh37 (hg19) VCF-style: chr14-102508767-C-G.
Other names: short protein forms Q4108E.
Identifiers: ClinVar variation 1516260 (VCV001516260.6), dbSNP rs2152596646, ClinGen allele CA391040884.